The following is an entry in ClinVar:

NM_000038.6(APC):c.6425T>A (p.Ile2142Asn)

Gene: APC (APC regulator of Wnt signaling pathway; plus strand). Cytogenetic location: 5q22.2.
Variant type: single nucleotide variant.
Coding change: c.6425T>A on transcript NM_000038.6 (MANE Select); coding-DNA position 6425, T replaced by A.
Protein change: p.Ile2142Asn; replaces isoleucine 2142 with asparagine.
Molecular consequence: missense variant.
Genome position (GRCh38, 1-based): chr5:112,842,019, T>A. VCF-style: chr5-112842019-T-A. GRCh37 (hg19) VCF-style: chr5-112177716-T-A.
Other names: c.6425T>A, p.Ile2142Asn (NM_001127510.3, NM_001354895.2); c.6371T>A, p.Ile2124Asn (NM_001127511.3); c.6479T>A, p.Ile2160Asn (NM_001354896.2); c.6455T>A, p.Ile2152Asn (NM_001354897.2); c.6350T>A, p.Ile2117Asn (NM_001354898.2); c.6341T>A, p.Ile2114Asn (NM_001354899.2); c.6302T>A, p.Ile2101Asn (NM_001354900.2); c.6248T>A, p.Ile2083Asn (NM_001354901.2); and 5 more; short protein forms I1859N, I1982N, I2016N, I2041N, I2051N, I2083N, I2101N, I2114N.
Identifiers: ClinVar variation 1331932 (VCV001331932.9), dbSNP rs2149964621, ClinGen allele CA16035393.

ClinVar aggregate classification (germline): Uncertain significance. Review status: criteria provided, multiple submitters, no conflicts (2 of 4 stars). 4 submissions from 4 submitters: Uncertain significance (4). Last evaluated 2025-04-28.

Conditions:
Familial adenomatous polyposis 1 (FAP1). Also called: POLYPOSIS, ADENOMATOUS INTESTINAL; FAMILIAL ADENOMATOUS POLYPOSIS 1, ATTENUATED. Identifiers: MedGen C2713442, MONDO:0021056, OMIM 175100. Disease mechanism: loss of function.
Hereditary cancer-predisposing syndrome. Also called: Tumor predisposition; Hereditary Cancer Syndrome; Neoplastic Syndromes, Hereditary; Hereditary neoplastic syndrome. Identifiers: Orphanet 140162, MedGen C0027672, MeSH D009386, MONDO:0015356.

Submissions (4):

Ambry Genetics
Classification: Uncertain significance for Hereditary cancer-predisposing syndrome. Last evaluated: 2025-04-28. Review status: criteria provided, single submitter. Criteria: Ambry Variant Classification Scheme 2023. Collection method: clinical testing. Allele origin: germline.
Comment: The p.I2142N variant (also known as c.6425T>A), located in coding exon 15 of the APC gene, results from a T to A substitution at nucleotide position 6425. The isoleucine at codon 2142 is replaced by asparagine, an amino acid with dissimilar properties. This amino acid position is conserved. In addition, in silico predictors for this gene do not accurately predict pathogenicity. Based on the available evidence, the clinical significance of this variant remains unclear.

Hereditary Cancer Laboratory, Hospital Universitario 12 de Octubre
Classification: Uncertain significance for Hereditary cancer-predisposing syndrome. Last evaluated: 2024-06-10. Review status: criteria provided, single submitter. Criteria: ACMG Guidelines, 2015. Collection method: clinical testing. Allele origin: germline.
Comment: PM2

Labcorp Genetics (formerly Invitae), Labcorp
Classification: Uncertain significance for Familial adenomatous polyposis 1. Last evaluated: 2022-06-15. Review status: criteria provided, single submitter. Criteria: Invitae Variant Classification Sherloc (09022015). Collection method: clinical testing. Allele origin: germline.
Comment: ClinVar contains an entry for this variant (Variation ID: 1331932). This sequence change replaces isoleucine, which is neutral and non-polar, with asparagine, which is neutral and polar, at codon 2142 of the APC protein (p.Ile2142Asn). This variant is not present in population databases (gnomAD no frequency). This variant has not been reported in the literature in individuals affected with APC-related conditions. In summary, the available evidence is currently insufficient to determine the role of this variant in disease. Therefore, it has been classified as a Variant of Uncertain Significance. Algorithms developed to predict the effect of missense changes on protein structure and function are either unavailable or do not agree on the potential impact of this missense change (SIFT: "Deleterious"; PolyPhen-2: "Possibly Damaging"; Align-GVGD: "Class C0").

Color Diagnostics, LLC DBA Color Health
Classification: Uncertain significance for Hereditary cancer-predisposing syndrome. Last evaluated: 2021-02-18. Review status: criteria provided, single submitter. Criteria: ACMG Guidelines, 2015. Collection method: clinical testing. Allele origin: germline.
Comment: This missense variant replaces isoleucine with asparagine at codon 2142 of the APC protein. Computational prediction suggests that this variant may not impact protein structure and function (internally defined REVEL score threshold <= 0.5, PMID: 27666373). Splice site prediction tools suggest that this variant may not impact RNA splicing. To our knowledge, functional studies have not been performed for this variant. This variant has not been reported in individuals affected with hereditary cancer in the literature. This variant has not been identified in the general population by the Genome Aggregation Database (gnomAD). The available evidence is insufficient to determine the role of this variant in disease conclusively. Therefore, this variant is classified as a Variant of Uncertain Significance.